The following is an entry in ClinVar:

NM_000238.4(KCNH2):c.2906del (p.Gly969fs)

Gene: KCNH2 (potassium voltage-gated channel subfamily H member 2; minus strand). Cytogenetic location: 7q36.1.
Variant type: Deletion.
Coding change: c.2906del on transcript NM_000238.4 (MANE Select); coding-DNA position 2906, one base deleted (G; older notation c.2906delG).
Protein change: p.Gly969fs; shifts the reading frame from glycine 969.
Molecular consequence: frameshift variant.
Genome position (GRCh38, 1-based): chr7:150,947,665, C deleted on the plus strand (G on the coding strand, the reverse complement: KCNH2 is on the minus strand); the first of 3 consecutive C bases (chr7:150,947,665-150,947,667); deleting any one gives the same sequence. VCF-style (leftmost placement, unchanged base first): chr7-150947664-AC-A. GRCh37 (hg19) VCF-style: chr7-150644752-AC-A.
Other names: c.2906delG (NM_000238.2); c.1886del, p.Gly629fs (NM_172057.3); short protein forms G629fs, G969fs.
Identifiers: ClinVar variation 200680 (VCV000200680.7), dbSNP rs794728459, ClinGen allele CA007627.

ClinVar aggregate classification (germline): Pathogenic. Review status: criteria provided, multiple submitters, no conflicts (2 of 4 stars). 2 submissions from 2 submitters: Pathogenic (2). Last evaluated 2024-06-17.

Conditions:
Long QT syndrome (LQTS). Identifiers: MedGen C0023976, MeSH D008133, MONDO:0002442. Disease mechanism: loss of function. Inheritance: Various modes of inheritance.

Submissions (2):

Labcorp Genetics (formerly Invitae), Labcorp
Classification: Pathogenic for Long QT syndrome. Last evaluated: 2024-06-17. Review status: criteria provided, single submitter. Criteria: Invitae Variant Classification Sherloc (09022015). Collection method: clinical testing. Allele origin: germline.
Comment: This sequence change creates a premature translational stop signal (p.Gly969Valfs*5) in the KCNH2 gene. It is expected to result in an absent or disrupted protein product. Loss-of-function variants in KCNH2 are known to be pathogenic (PMID: 10973849, 19862833). This variant is not present in population databases (gnomAD no frequency). This premature translational stop signal has been observed in individual(s) with clinical features of long QT Syndrome (PMID: 10973849). ClinVar contains an entry for this variant (Variation ID: 200680). Algorithms developed to predict the effect of sequence changes on RNA splicing suggest that this variant may create or strengthen a splice site. For these reasons, this variant has been classified as Pathogenic.

GeneDx
Classification: Pathogenic. Last evaluated: 2023-05-10. Review status: criteria provided, single submitter. Criteria: GeneDx Variant Classification Process June 2021. Collection method: clinical testing. Allele origin: germline. Affected: yes.
Comment: Described as del2906* due to the use of alternate nomenclature in one family with LQTS (Splawski et al., 2000); Not observed at significant frequency in large population cohorts (gnomAD); Frameshift variant predicted to result in protein truncation or nonsense mediated decay in a gene for which loss of function is a known mechanism of disease; This variant is associated with the following publications: (PMID: 19862833, 10973849)

Literature cited by the submitters: PubMed 10973849 (cited by Labcorp Genetics (formerly Invitae), Labcorp); PubMed 19862833 (cited by Labcorp Genetics (formerly Invitae), Labcorp).